The following is an entry in ClinVar:

ClinVar aggregate classification (germline): Uncertain significance. Review status: criteria provided, multiple submitters, no conflicts (2 of 4 stars). 3 submissions from 3 submitters: Uncertain significance (3). Last evaluated 2022-03-19.

Conditions:
Hereditary spastic paraplegia 39 (SPG39). Also called: Spastic Paraplegia Type 39 (SPG39); SPASTIC PARAPLEGIA 39, AUTOSOMAL RECESSIVE. Identifiers: Orphanet 139480, MedGen C2677586, MONDO:0012787, OMIM 612020.

Allele frequency attached by ClinVar (database versions not stated): gnomAD exomes 0.00001 and 0.00007; ExAC 0.00002; gnomAD 0.00002; TOPMed 0.00002; ESP Exome Variant Server 0.00008.

Submissions (3):

Labcorp Genetics (formerly Invitae), Labcorp
Classification: Uncertain significance for Hereditary spastic paraplegia 39. Last evaluated: 2022-03-19. Review status: criteria provided, single submitter. Criteria: Invitae Variant Classification Sherloc (09022015). Collection method: clinical testing. Allele origin: germline.
Comment: This sequence change replaces glycine, which is neutral and non-polar, with serine, which is neutral and polar, at codon 178 of the PNPLA6 protein (p.Gly178Ser). This variant is present in population databases (rs150620708, gnomAD 0.004%). This variant has not been reported in the literature in individuals affected with PNPLA6-related conditions. ClinVar contains an entry for this variant (Variation ID: 969092). Algorithms developed to predict the effect of missense changes on protein structure and function are either unavailable or do not agree on the potential impact of this missense change (SIFT: "Tolerated"; PolyPhen-2: "Probably Damaging"; Align-GVGD: "Class C0"). In summary, the available evidence is currently insufficient to determine the role of this variant in disease. Therefore, it has been classified as a Variant of Uncertain Significance.

Athena Diagnostics
Classification: Uncertain significance. Last evaluated: 2021-11-19. Review status: criteria provided, single submitter. Criteria: Athena Diagnostics Criteria. Collection method: clinical testing. Allele origin: unknown.

GeneDx
Classification: Uncertain significance. Last evaluated: 2019-04-30. Review status: criteria provided, single submitter. Criteria: GeneDx Variant Classification Process June 2021. Collection method: clinical testing. Allele origin: germline. Affected: yes.
Comment: Not observed at a significant frequency in large population cohorts (Lek et al., 2016); In silico analysis, which includes protein predictors and evolutionary conservation, supports a deleterious effect; Has not been previously published as pathogenic or benign to our knowledge

NM_001166114.2(PNPLA6):c.649G>A (p.Gly217Ser)

Gene: PNPLA6 (patatin like domain 6, lysophospholipase; plus strand). Cytogenetic location: 19p13.2.
Variant type: single nucleotide variant.
Coding change: c.649G>A on transcript NM_001166114.2 (MANE Select); coding-DNA position 649, G replaced by A.
Protein change: p.Gly217Ser; replaces glycine 217 with serine.
Molecular consequence: missense variant.
Genome position (GRCh38, 1-based): chr19:7,540,243, G>A. VCF-style: chr19-7540243-G-A. GRCh37 (hg19) VCF-style: chr19-7605129-G-A.
Other names: c.676G>A, p.Gly226Ser (NM_001166111.2); c.532G>A, p.Gly178Ser (NM_001166112.2, NM_001166113.1, NM_006702.5); short protein forms G217S, G178S, G226S.
Identifiers: ClinVar variation 969092 (VCV000969092.9), dbSNP rs150620708, ClinGen allele CA9139525.